The following is an entry in ClinVar:

NM_001127511.3(APC):c.-22T>G

Gene: APC (APC regulator of Wnt signaling pathway; plus strand). Cytogenetic location: 5q22.2.
Variant type: single nucleotide variant.
Coding change: c.-22T>G on transcript NM_001127511.3; 22 bases upstream of the start codon, T replaced by G.
Molecular consequence: 5 prime UTR variant. On other transcripts: non-coding transcript variant (1), intron variant (5).
Genome position (GRCh38, 1-based): chr5:112,707,696, T>G. VCF-style: chr5-112707696-T-G. GRCh37 (hg19) VCF-style: chr5-112043393-T-G.
Other names: c.-205T>G (NM_001354895.2, NM_001407447.1, NM_001407452.1 and 3 more transcripts); c.-22T>G (NM_001354897.2, NM_001354902.2, NM_001407446.1); c.-1240T>G (NM_001407470.1, NM_001407472.1); c.-19+47T>G (NM_001407448.1, NM_001407450.1, NM_001407457.1 and 1 more transcripts); c.-43+47T>G (NM_001407453.1).
Identifiers: ClinVar variation 652888 (VCV000652888.45), dbSNP rs765199134, ClinGen allele CA124925085.

ClinVar aggregate classification (germline): Uncertain significance (1 of 4 stars; one submission).

Conditions:
Familial adenomatous polyposis 1 (FAP1). Also called: FAMILIAL ADENOMATOUS POLYPOSIS 1, ATTENUATED; POLYPOSIS, ADENOMATOUS INTESTINAL. Identifiers: MedGen C2713442, MONDO:0021056, OMIM 175100. Disease mechanism: loss of function.

Allele frequency attached by ClinVar (database versions not stated): gnomAD exomes 0.00002 and 0.00001.
gnomAD v4.1: 26 of 1,370,580 alleles (0.0019%); highest among the groups gnomAD compares: Non-Finnish European, 0.0024%; no homozygotes.

Submission:

Labcorp Genetics (formerly Invitae), Labcorp
Classification: Uncertain significance for Familial adenomatous polyposis 1. Last evaluated: 2025-08-29. Review status: criteria provided, single submitter. Criteria: Invitae Variant Classification Sherloc (09022015). Collection method: clinical testing. Allele origin: germline.
Comment: This variant occurs in a non-coding region of the APC gene. It does not change the encoded amino acid sequence of the APC protein. This variant is present in population databases (rs765199134, gnomAD 0.002%). This variant has not been reported in the literature in individuals affected with APC-related conditions. ClinVar contains an entry for this variant (Variation ID: 652888). Experimental studies and prediction algorithms are not available or were not evaluated, and the functional significance of this variant is currently unknown. In summary, the available evidence is currently insufficient to determine the role of this variant in disease. Therefore, it has been classified as a Variant of Uncertain Significance.